The following is an entry in ClinVar:

ClinVar aggregate classification (germline): Uncertain significance (1 of 4 stars; one submission).

Submission:

Labcorp Genetics (formerly Invitae), Labcorp
Classification: Uncertain significance. Last evaluated: 2023-11-13. Review status: criteria provided, single submitter. Criteria: Invitae Variant Classification Sherloc (09022015). Collection method: clinical testing. Allele origin: germline.
Comment: This sequence change replaces glutamine, which is neutral and polar, with histidine, which is basic and polar, at codon 262 of the CA4 protein (p.Gln262His). This variant is not present in population databases (gnomAD no frequency). This variant has not been reported in the literature in individuals affected with CA4-related conditions. ClinVar contains an entry for this variant (Variation ID: 1035091). An algorithm developed to predict the effect of missense changes on protein structure and function (PolyPhen-2) suggests that this variant is likely to be disruptive. In summary, the available evidence is currently insufficient to determine the role of this variant in disease. Therefore, it has been classified as a Variant of Uncertain Significance.

NM_000717.5(CA4):c.786G>T (p.Gln262His)

Gene: CA4 (carbonic anhydrase 4; plus strand). Cytogenetic location: 17q23.1.
Variant type: single nucleotide variant.
Coding change: c.786G>T on transcript NM_000717.5 (MANE Select); coding-DNA position 786, G replaced by T.
Protein change: p.Gln262His; replaces glutamine 262 with histidine.
Molecular consequence: missense variant. On other transcripts: non-coding transcript variant (1).
Genome position (GRCh38, 1-based): chr17:60,159,271, G>T. VCF-style: chr17-60159271-G-T. GRCh37 (hg19) VCF-style: chr17-58236632-G-T.
Other names: short protein forms Q262H.
Identifiers: ClinVar variation 1035091 (VCV001035091.7), dbSNP rs2083752817, ClinGen allele CA400460569.